The following is an entry in ClinVar:

ClinVar aggregate classification (germline): Uncertain significance (1 of 4 stars; one submission).

Conditions:
Mendelian susceptibility to mycobacterial diseases due to complete IL12B deficiency. Also called: IL12B DEFICIENCY; Immunodeficiency 29. Identifiers: Orphanet 319558, MedGen C4013948, MONDO:0013954, OMIM 614890.

Allele frequency attached by ClinVar (database versions not stated): gnomAD exomes below 0.00001; TOPMed below 0.00001.
gnomAD v4.1: 1 of 1,614,118 alleles (0.000062%); highest among the groups gnomAD compares: Non-Finnish European, 0.000085%; no homozygotes.

Submission:

Labcorp Genetics (formerly Invitae), Labcorp
Classification: Uncertain significance for Mendelian susceptibility to mycobacterial diseases due to complete IL12B deficiency. Last evaluated: 2022-07-11. Review status: criteria provided, single submitter. Criteria: Invitae Variant Classification Sherloc (09022015). Collection method: clinical testing. Allele origin: germline.
Comment: This variant has not been reported in the literature in individuals affected with IL12B-related conditions. In summary, the available evidence is currently insufficient to determine the role of this variant in disease. Therefore, it has been classified as a Variant of Uncertain Significance. Algorithms developed to predict the effect of missense changes on protein structure and function (SIFT, PolyPhen-2, Align-GVGD) all suggest that this variant is likely to be tolerated. ClinVar contains an entry for this variant (Variation ID: 541810). This variant is not present in population databases (gnomAD no frequency). This sequence change replaces threonine, which is neutral and polar, with isoleucine, which is neutral and non-polar, at codon 76 of the IL12B protein (p.Thr76Ile).

NM_002187.3(IL12B):c.227C>T (p.Thr76Ile)

Gene: IL12B (interleukin 12B; minus strand). Cytogenetic location: 5q33.3.
Variant type: single nucleotide variant.
Coding change: c.227C>T on transcript NM_002187.3 (MANE Select); coding-DNA position 227, C replaced by T.
Protein change: p.Thr76Ile; replaces threonine 76 with isoleucine.
Molecular consequence: missense variant.
Genome position (GRCh38, 1-based): chr5:159,323,191, G>A on the plus strand (C>T on the coding strand, the complement: IL12B is on the minus strand). VCF-style: chr5-159323191-G-A. GRCh37 (hg19) VCF-style: chr5-158750199-G-A.
Other names: short protein forms T76I.
Identifiers: ClinVar variation 541810 (VCV000541810.6), dbSNP rs1554157031, ClinGen allele CA362036046.